The following is an entry in ClinVar:

ClinVar aggregate classification (germline): Likely pathogenic (1 of 4 stars; one submission).

Conditions:
Multiple cutaneous and mucosal venous malformations (VMCM). Also called: TEK-Related Multiple Cutaneous and Mucosal Venous Malformations (VMCM). Identifiers: Orphanet 2451, MedGen C1838437, MONDO:0010842, OMIM 600195.

Submission:

Clinical Genomics Laboratory, Washington University in St. Louis
Classification: Likely pathogenic for Multiple cutaneous and mucosal venous malformations. Last evaluated: 2024-04-02. Review status: criteria provided, single submitter. Criteria: ACMG Guidelines, 2015. Collection method: clinical testing. Allele origin: somatic. Affected: yes.
Comment: The TEK c.2750G>T (p.Ser917Ile) variant was identified at an allelic fraction consistent with somatic origin. This variant has been reported in individuals affected with vascular malformation (Ye C et al., PMID: 21962923; Limaye N et al., PMID: 19079259) and in one individual with Blue Rubber Bleb Nevus (BRBN) Syndrome (Soblet J et al., PMID: 27519652). This variant is absent from the general population (gnomAD v.4.0.0), indicating it is not a common variant. Another variant in the same codon, c.2751C>A (p.Ser917Arg), has been reported in an individual affected with Blue Rubber Bleb Nevus Syndrome (Soblet J et al., PMID: 27519652). The TEK c.2750G>T (p.Ser917Ile) variant resides within a tyrosine kinase domain of TEK (Shewchuk LM et al., PMID: 11080633). Computational predictors indicate that the variant is damaging, evidence that may correlate with impact on TEK function. Based on an internally-developed protocol informed by the ACMG/AMP guidelines (Richards S et al., PMID: 25741868) and gene-specific practices from the ClinGen Criteria Specification Registry, the TEK c.2750G>T (p.Ser917Ile) variant is classified as likely pathogenic.

NM_000459.5(TEK):c.2750G>T (p.Ser917Ile)

Gene: TEK (TEK receptor tyrosine kinase; plus strand). Cytogenetic location: 9p21.2.
Variant type: single nucleotide variant.
Coding change: c.2750G>T on transcript NM_000459.5 (MANE Select); coding-DNA position 2750, G replaced by T.
Protein change: p.Ser917Ile; replaces serine 917 with isoleucine.
Molecular consequence: missense variant.
Genome position (GRCh38, 1-based): chr9:27,212,770, G>T. VCF-style: chr9-27212770-G-T. GRCh37 (hg19) VCF-style: chr9-27212768-G-T.
Other names: c.2621G>T, p.Ser874Ile (NM_001290077.2); c.2306G>T, p.Ser769Ile (NM_001290078.2); c.2747G>T, p.Ser916Ile (NM_001375475.1); c.2618G>T, p.Ser873Ile (NM_001375476.1); short protein forms S769I, S873I, S874I, S916I, S917I.
Identifiers: ClinVar variation 3238638 (VCV003238638.1), dbSNP rs2488989309.
Genomic context (GRCh38, chr9:27,212,770, plus strand): 5'-ACTTGTACCTGGCCATTGAGTACGCGCCCCATGGAAACCTTCTGGACTTCCTTCGCAAGA[G>T]CCGTGTGCTGGAGACGGACCCAGCATTTGCCATTGCCAATAGCACCGCGTCCACACTGTC-3'
Protein context (NP_000450.3, residues 907-927): HGNLLDFLRK[Ser917Ile]RVLETDPAFA